The following is an entry in ClinVar:

ClinVar aggregate classification (germline): Likely pathogenic (1 of 4 stars; one submission).

Conditions:
Complex lethal osteochondrodysplasia. Also called: Osteochondrodysplasia, complex lethal, symoens-barnes-gistelinck type. Identifiers: Orphanet 457378, MedGen C4225162, MONDO:0014821, OMIM 616897.

Submission:

Juno Genomics, Hangzhou Juno Genomics, Inc
Classification: Likely pathogenic for Complex lethal osteochondrodysplasia. Review status: criteria provided, single submitter. Criteria: ACMG Guidelines, 2015. Collection method: clinical testing. Allele origin: germline.
Comment: Null variant in a gene where loss of function (LOF) is a known mechanism of disease.;Absent from controls (or at extremely low frequency if recessive) in Genome Aggregation Database.

NM_153365.3(TAPT1):c.275_276insCTTGAACATAATGAGGCCA (p.Glu93fs)

Gene: TAPT1 (transmembrane anterior posterior transformation 1; minus strand). Cytogenetic location: 4p15.32.
Variant type: Insertion.
Coding change: c.275_276insCTTGAACATAATGAGGCCA on transcript NM_153365.3 (MANE Select); coding-DNA positions 275 to 276, CTTGAACATAATGAGGCCA inserted.
Protein change: p.Glu93fs; shifts the reading frame from glutamic acid 93.
Molecular consequence: frameshift variant.
Genome position: GRCh38 VCF-style: chr4-16213822-T-TTGGCCTCATTATGTTCAAG. GRCh37 (hg19) VCF-style: chr4-16215445-T-TTGGCCTCATTATGTTCAAG.
Other names: short protein forms E93fs.
Identifiers: ClinVar variation 5006747 (VCV005006747.2).